The following is an entry in ClinVar:

ClinVar aggregate classification (germline): Uncertain significance (1 of 4 stars; one submission).

Conditions:
Usher syndrome type 3B. Also called: USHER SYNDROME, TYPE IIIB. Identifiers: MedGen C3281066, MONDO:0013788, OMIM 614504.

Allele frequency attached by ClinVar (database versions not stated): gnomAD exomes below 0.00001.
gnomAD v4.1: 1 of 1,613,460 alleles (0.000062%); highest among the groups gnomAD compares: Non-Finnish European, 0.000085%; no homozygotes.

Submission:

Labcorp Genetics (formerly Invitae), Labcorp
Classification: Uncertain significance for Usher syndrome type 3B. Last evaluated: 2025-01-13. Review status: criteria provided, single submitter. Criteria: Invitae Variant Classification Sherloc (09022015). Collection method: clinical testing. Allele origin: germline.
Comment: This sequence change replaces arginine, which is basic and polar, with lysine, which is basic and polar, at codon 424 of the HARS protein (p.Arg424Lys). This variant is not present in population databases (gnomAD no frequency). This variant has not been reported in the literature in individuals affected with HARS-related conditions. ClinVar contains an entry for this variant (Variation ID: 2159387). Invitae Evidence Modeling of protein sequence and biophysical properties (such as structural, functional, and spatial information, amino acid conservation, physicochemical variation, residue mobility, and thermodynamic stability) indicates that this missense variant is not expected to disrupt HARS protein function with a negative predictive value of 80%. In summary, the available evidence is currently insufficient to determine the role of this variant in disease. Therefore, it has been classified as a Variant of Uncertain Significance.

NM_002109.6(HARS1):c.1271G>A (p.Arg424Lys)

Gene: HARS1 (histidyl-tRNA synthetase 1; minus strand). Cytogenetic location: 5q31.3.
Variant type: single nucleotide variant.
Coding change: c.1271G>A on transcript NM_002109.6 (MANE Select); coding-DNA position 1271, G replaced by A.
Protein change: p.Arg424Lys; replaces arginine 424 with lysine.
Molecular consequence: missense variant.
Genome position (GRCh38, 1-based): chr5:140,675,057, C>T on the plus strand (G>A on the coding strand, the complement: HARS1 is on the minus strand). VCF-style: chr5-140675057-C-T. GRCh37 (hg19) VCF-style: chr5-140054642-C-T.
Other names: c.1151G>A, p.Arg384Lys (NM_001258040.3); c.1211G>A, p.Arg404Lys (NM_001258041.3); c.1091G>A, p.Arg364Lys (NM_001258042.3); c.1049G>A, p.Arg350Lys (NM_001289092.2); c.929G>A, p.Arg310Lys (NM_001289093.2); c.1184G>A, p.Arg395Lys (NM_001289094.2); short protein forms R404K, R424K, R395K, R310K, R350K, R384K, R364K.
Identifiers: ClinVar variation 2159387 (VCV002159387.4), dbSNP rs1010687306, ClinGen allele CA128376773.